The following is an entry in ClinVar:

ClinVar aggregate classification (germline): Uncertain significance (1 of 4 stars; one submission).

Conditions:
Hereditary sensory neuropathy-deafness-dementia syndrome. Also called: Hereditary sensory neuropathy type IE; HSN IE; NEUROPATHY, HEREDITARY SENSORY, WITH HEARING LOSS AND DEMENTIA; Hereditary Sensory and Autonomic Neuropathy Type 1E (HSAN1E). Identifiers: Orphanet 456318, MedGen C3279885, MONDO:0013584, OMIM 614116.

Submission:

Labcorp Genetics (formerly Invitae), Labcorp
Classification: Uncertain significance for Hereditary sensory neuropathy-deafness-dementia syndrome. Last evaluated: 2020-02-19. Review status: criteria provided, single submitter. Criteria: Invitae Variant Classification Sherloc (09022015). Collection method: clinical testing. Allele origin: germline.
Comment: In summary, the available evidence is currently insufficient to determine the role of this variant in disease. Therefore, it has been classified as a Variant of Uncertain Significance. Algorithms developed to predict the effect of sequence changes on RNA splicing suggest that this variant may disrupt the consensus splice site, but this prediction has not been confirmed by published transcriptional studies. Algorithms developed to predict the effect of missense changes on protein structure and function are either unavailable or do not agree on the potential impact of this missense change (SIFT: "Deleterious"; PolyPhen-2: "Possibly Damaging"; Align-GVGD: "Class C0"). This variant has not been reported in the literature in individuals with DNMT1-related conditions. This variant is not present in population databases (ExAC no frequency). This sequence change replaces glycine with alanine at codon 1132 of the DNMT1 protein (p.Gly1132Ala). The glycine residue is highly conserved and there is a small physicochemical difference between glycine and alanine.

NM_001130823.3(DNMT1):c.3395G>C (p.Gly1132Ala)

Gene: DNMT1 (DNA methyltransferase 1; minus strand). Cytogenetic location: 19p13.2.
Variant type: single nucleotide variant.
Coding change: c.3395G>C on transcript NM_001130823.3 (MANE Select); coding-DNA position 3395, G replaced by C.
Protein change: p.Gly1132Ala; replaces glycine 1132 with alanine.
Molecular consequence: missense variant.
Genome position (GRCh38, 1-based): chr19:10,140,909, C>G on the plus strand (G>C on the coding strand, the complement: DNMT1 is on the minus strand). VCF-style: chr19-10140909-C-G. GRCh37 (hg19) VCF-style: chr19-10251585-C-G.
Other names: c.3347G>C, p.Gly1116Ala (NM_001318730.2, NM_001379.4); c.3032G>C, p.Gly1011Ala (NM_001318731.2); short protein forms G1011A, G1116A, G1132A.
Identifiers: ClinVar variation 999401 (VCV000999401.8), dbSNP rs2089588486, ClinGen allele CA403973589.